The following is an entry in ClinVar:

ClinVar aggregate classification (germline): Pathogenic. Review status: reviewed by expert panel (3 of 4 stars). 2 submissions from 2 submitters: Pathogenic (1). 1 of the submissions does not count toward it. Last evaluated 2026-11-20.

Conditions:
Primary ciliary dyskinesia. Also called: Ciliary dyskinesia. Identifiers: Orphanet 244, MedGen C0008780, MONDO:0016575, HP:0012265.
RPGR-related retinopathy. Also called: RPGR retinopathy. Identifiers: MedGen CN305589, MONDO:0100437.

Submissions (2):

ClinGen X-linked Inherited Retinal Disease Variant Curation Expert Panel, ClinGen
Classification: Pathogenic for RPGR-related retinopathy. Last evaluated: 2026-11-20. Review status: reviewed by expert panel. Criteria: ClinGen X LinkedIRD ACMG Specifications RPGR V1.0.0. Collection method: curation. Allele origin: germline. Inheritance: X-linked inheritance.
Comment: NM_001034853.2(RPGR):c.1810C>T (p.Gln604Ter) is a nonsense variant that introduces a premature stop codon within exon 15 of 15 that is predicted to disrupt a critical C-terminal region required for proper glutamylation of RPGR (PMID: 36445968, PVS1). This variant is absent from hemizygous individuals in gnomAD v4.1.2 (PM2_Supporting). At least one proband harboring this variant exhibits the following phenotypes, including: <30 years old, non-recordable ERG (absent/background pattern), and night blindness (0.5 pts), early-onset (1 pt), reduced visual acuity (0.5 pts), myopia (0.5 pts), X-linked inheritance (2 pts), which together are specific for RPGR-related retinopathy (4.5 Points, PMID: 32702353, 39206744, PP4). The variant has been reported to segregate with retinal dystrophy through two meioses in one family (PP1; PMID: 32702353, 39206744). This variant has been reported in at least 1 proband meeting one of the PS4 requirements of a male with some functional vision impairment by age 30 and/or decreased or absent ERG responses, or a female with functional visual abnormality and documentation of a male relative affected with retinitis pigmentosa, as well as a second apparently unrelated proband previously used for the PP4 code (PMIDs: 30902645, PS4_Supporting). This variant has been identified as a de novo occurrence with confirmed parental relationships in one individual meeting the PS2 requirement of some functional vision impairment in affected males by age 30 years, with decreased or absent cone and/or rod electroretinogram responses (0.5 points, PS2_Supporting, PMID: 30902645). In summary, this variant is classified as pathogenic for RPGR-related retinopathy based on the ClinGen X-linked Inherited Retinal Disease Expert Panel Specifications to the ACMG/AMP Variant Interpretation Guidelines for RPGR Version 1.0.0: PVS1, PM2_Supporting, PP4, PP1, PS4_Supporting, and PS2_Supporting.

Labcorp Genetics (formerly Invitae), Labcorp
Classification: Pathogenic for Primary ciliary dyskinesia. Last evaluated: 2022-04-13. Review status: criteria provided, single submitter. Criteria: Invitae Variant Classification Sherloc (09022015). Collection method: clinical testing. Allele origin: germline. Not counted in ClinVar's aggregate classification.
Comment: For these reasons, this variant has been classified as Pathogenic. This sequence change creates a premature translational stop signal (p.Gln604*) in the RPGR gene. It is expected to result in an absent or disrupted protein product. Loss-of-function variants in RPGR are known to be pathogenic (PMID: 16055928, 16969763). This variant is not present in population databases (gnomAD no frequency). This premature translational stop signal has been observed in individual(s) with retinitis pigmentosa (PMID: 30902645, 32702353). In at least one individual the variant was observed to be de novo.

Literature cited by the submitters: PubMed 16055928 (cited by Labcorp Genetics (formerly Invitae), Labcorp); PubMed 16969763 (cited by Labcorp Genetics (formerly Invitae), Labcorp); PubMed 30902645 (cited by Labcorp Genetics (formerly Invitae), Labcorp); PubMed 32702353 (cited by Labcorp Genetics (formerly Invitae), Labcorp).

NM_001034853.2(RPGR):c.1810C>T (p.Gln604Ter)

Gene: RPGR (retinitis pigmentosa GTPase regulator; minus strand). Cytogenetic location: Xp11.4.
Variant type: single nucleotide variant.
Coding change: c.1810C>T on transcript NM_001034853.2 (MANE Select); coding-DNA position 1810, C replaced by T.
Protein change: p.Gln604Ter; replaces glutamine 604 with a stop codon.
Molecular consequence: nonsense. On other transcripts: non-coding transcript variant (2), intron variant (5).
Genome position (GRCh38, 1-based): chrX:38,287,189, G>A on the plus strand (C>T on the coding strand, the complement: RPGR is on the minus strand). VCF-style: chrX-38287189-G-A. GRCh37 (hg19) VCF-style: chrX-38146442-G-A.
Other names: NM_001034853.2(RPGR):c.1810C>T; p.Gln604Ter; c.1810C>T, p.Gln604Ter (NM_000328.3); c.1807C>T, p.Gln603Ter (NM_001367245.1); c.1624C>T, p.Gln542Ter (NM_001367246.1); c.1569+3770C>T (NM_001367249.1, NM_001367250.1); c.1386+3770C>T (NM_001367251.1); c.1572+3770C>T (NM_001367247.1); and 1 more; short protein forms Q542*, Q604*, Q603*.
Identifiers: ClinVar variation 1918316 (VCV001918316.6), dbSNP rs2519795201, ClinGen allele CA412732837.